The following is an entry in ClinVar:

ClinVar aggregate classification (germline): Likely benign (0 of 4 stars; one submission).

Conditions:
DENND4B-related disorder. Also called: DENND4B-related condition.

Allele frequency attached by ClinVar (database versions not stated): gnomAD exomes 0.00002; ExAC 0.00003; gnomAD 0.00007; ESP Exome Variant Server 0.00008.
gnomAD v4.1: 46 of 1,613,580 alleles (0.0029%); highest among the groups gnomAD compares: African/African-American, 0.015%; no homozygotes.

Submission:

PreventionGenetics, part of Exact Sciences
Classification: Likely benign for DENND4B-related condition. Last evaluated: 2023-04-26. Review status: no assertion criteria provided. Collection method: clinical testing. Allele origin: germline.
Comment: This variant is classified as likely benign based on ACMG/AMP sequence variant interpretation guidelines (Richards et al. 2015 PMID: 25741868, with internal and published modifications).

NM_014856.3(DENND4B):c.690C>T (p.Pro230=)

Gene: DENND4B (DENN domain containing 4B; minus strand). Cytogenetic location: 1q21.3.
Variant type: single nucleotide variant.
Coding change: c.690C>T on transcript NM_014856.3 (MANE Select); coding-DNA position 690, C replaced by T.
Protein change: p.Pro230=; no amino-acid change (proline 230 retained).
Molecular consequence: synonymous variant.
Genome position (GRCh38, 1-based): chr1:153,942,307, G>A on the plus strand (C>T on the coding strand, the complement: DENND4B is on the minus strand). VCF-style: chr1-153942307-G-A. GRCh37 (hg19) VCF-style: chr1-153914783-G-A.
Other names: c.723C>T, p.Pro241= (NM_001367466.1).
Identifiers: ClinVar variation 3057373 (VCV003057373.2), dbSNP rs201629916, ClinGen allele CA1121900.